The following is an entry in ClinVar:

ClinVar aggregate classification (germline): Benign. Review status: criteria provided, multiple submitters, no conflicts (2 of 4 stars). 4 submissions from 4 submitters: Benign (2). 2 of the submissions do not count toward it. Last evaluated 2026-02-01.

Conditions:
RTTN-related disorder. Also called: RTTN-related condition.

Allele frequency attached by ClinVar (database versions not stated): gnomAD exomes 0.00046 and 0.00128; ExAC 0.00159; 1000 Genomes Project 30x 0.00437; gnomAD 0.00453 and 0.00492; 1000 Genomes Project 0.00499; TOPMed 0.00522; ESP Exome Variant Server 0.00556.
gnomAD v4.1: 1,412 of 1,613,822 alleles (0.087%); highest among the groups gnomAD compares: African/African-American, 1.6%; 13 homozygotes.

Submissions (4):

Labcorp Genetics (formerly Invitae), Labcorp
Classification: Benign. Last evaluated: 2026-02-01. Review status: criteria provided, single submitter. Criteria: Invitae Variant Classification Sherloc (09022015). Collection method: clinical testing. Allele origin: germline.

GeneDx
Classification: Benign. Last evaluated: 2016-10-06. Review status: criteria provided, single submitter. Criteria: GeneDx Variant Classification (06012015). Collection method: clinical testing. Allele origin: germline. Affected: yes.
Comment: This variant is considered likely benign or benign based on one or more of the following criteria: it is a conservative change, it occurs at a poorly conserved position in the protein, it is predicted to be benign by multiple in silico algorithms, and/or has population frequency not consistent with disease.

PreventionGenetics, part of Exact Sciences
Classification: Benign for RTTN-related condition. Last evaluated: 2019-07-18. Review status: no assertion criteria provided. Collection method: clinical testing. Allele origin: germline. Not counted in ClinVar's aggregate classification.
Comment: This variant is classified as benign based on ACMG/AMP sequence variant interpretation guidelines (Richards et al. 2015 PMID: 25741868, with internal and published modifications).

Genetic Services Laboratory, University of Chicago
Classification: Likely benign for AllHighlyPenetrant. Review status: no assertion criteria provided. Collection method: clinical testing. Allele origin: germline. Inheritance: Autosomal recessive inheritance. Not counted in ClinVar's aggregate classification.
Comment: Likely benign based on allele frequency in 1000 Genomes Project or ESP global frequency and its presence in a patient with a rare or unrelated disease phenotype. NOT Sanger confirmed.

NM_173630.4(RTTN):c.4992G>C (p.Leu1664=)

Gene: RTTN (rotatin; minus strand). Cytogenetic location: 18q22.2.
Variant type: single nucleotide variant.
Coding change: c.4992G>C on transcript NM_173630.4 (MANE Select); coding-DNA position 4992, G replaced by C.
Protein change: p.Leu1664=; no amino-acid change (leucine 1664 retained).
Molecular consequence: synonymous variant.
Genome position (GRCh38, 1-based): chr18:70,057,781, C>G on the plus strand (G>C on the coding strand, the complement: RTTN is on the minus strand). VCF-style: chr18-70057781-C-G. GRCh37 (hg19) VCF-style: chr18-67725017-C-G.
Other names: c.2256G>C, p.Leu752= (NM_001318520.2).
Identifiers: ClinVar variation 130185 (VCV000130185.18), dbSNP rs34041767, ClinGen allele CA155013.